The following is an entry in ClinVar:

NM_000238.4(KCNH2):c.77-9C>T

Gene: KCNH2 (potassium voltage-gated channel subfamily H member 2; minus strand). Cytogenetic location: 7q36.1.
Variant type: single nucleotide variant.
Coding change: c.77-9C>T on transcript NM_000238.4 (MANE Select); 9 bases into the intron before coding-DNA position 77, C replaced by T.
Molecular consequence: intron variant.
Genome position (GRCh38, 1-based): chr7:150,974,950, G>A on the plus strand (C>T on the coding strand, the complement: KCNH2 is on the minus strand). VCF-style: chr7-150974950-G-A. GRCh37 (hg19) VCF-style: chr7-150672038-G-A.
Other names: c.77-9C>T (NM_172056.3); c.-101-9C>T (NM_001406755.1).
Identifiers: ClinVar variation 742446 (VCV000742446.14), dbSNP rs1311500123, ClinGen allele CA579075352.

ClinVar aggregate classification (germline): Likely benign. Review status: criteria provided, multiple submitters, no conflicts (2 of 4 stars). 3 submissions from 3 submitters: Likely benign (3). Last evaluated 2024-12-03.

Conditions:
Cardiac arrhythmia. Also called: Cardiac rhythm disease; Arrhythmia. Identifiers: MedGen C0003811, MONDO:0007263, HP:0011675.
Long QT syndrome (LQTS). Identifiers: MedGen C0023976, MeSH D008133, MONDO:0002442. Disease mechanism: loss of function. Inheritance: Various modes of inheritance.

Allele frequency attached by ClinVar (database versions not stated): gnomAD below 0.00001; gnomAD exomes 0.00001.
gnomAD v4.1: 20 of 1,581,824 alleles (0.0013%); highest among the groups gnomAD compares: South Asian, 0.019%; no homozygotes.

Submissions (3):

Labcorp Genetics (formerly Invitae), Labcorp
Classification: Likely benign for Long QT syndrome. Last evaluated: 2024-12-03. Review status: criteria provided, single submitter. Criteria: Invitae Variant Classification Sherloc (09022015). Collection method: clinical testing. Allele origin: germline.

All of Us Research Program, National Institutes of Health
Classification: Likely benign for Long QT syndrome. Last evaluated: 2023-12-18. Review status: criteria provided, single submitter. Criteria: ACMG Guidelines, 2015. Collection method: clinical testing. Allele origin: germline. Inheritance: Autosomal dominant inheritance. Observed: 1 variant allele, 1 heterozygote.
Comment: This study involves interpretation of variants in research participants for the purpose of population health screening. Participant phenotype was not available at the time of variant classification. Additional details can be found in publication PMID: 35346344, PMCID: PMC8962531

Color Diagnostics, LLC DBA Color Health
Classification: Likely benign for Arrhythmia. Last evaluated: 2019-06-13. Review status: criteria provided, single submitter. Criteria: ACMG Guidelines, 2015. Collection method: clinical testing. Allele origin: germline.